The following is an entry in ClinVar:

ClinVar aggregate classification (germline): Uncertain significance (1 of 4 stars; one submission).

Allele frequency attached by ClinVar (database versions not stated): gnomAD exomes below 0.00001; ExAC 0.00001; TOPMed 0.00001.
gnomAD v4.1: 7 of 1,613,124 alleles (0.00043%); highest among the groups gnomAD compares: East Asian, 0.0045%; no homozygotes.

Submission:

GeneDx
Classification: Uncertain significance. Last evaluated: 2019-08-08. Review status: criteria provided, single submitter. Criteria: GeneDx Variant Classification Process June 2021. Collection method: clinical testing. Allele origin: germline. Affected: yes.
Comment: Not observed at a significant frequency in large population cohorts (Lek et al., 2016); In silico analysis, which includes protein predictors and evolutionary conservation, supports a deleterious effect; Has not been previously published as pathogenic or benign to our knowledge

NM_001174089.2(SLC4A11):c.2362C>T (p.Arg788Cys)

Gene: SLC4A11 (solute carrier family 4 member 11; minus strand). Cytogenetic location: 20p13.
Variant type: single nucleotide variant.
Coding change: c.2362C>T on transcript NM_001174089.2 (MANE Select); coding-DNA position 2362, C replaced by T.
Protein change: p.Arg788Cys; replaces arginine 788 with cysteine.
Molecular consequence: missense variant. On other transcripts: non-coding transcript variant (1).
Genome position (GRCh38, 1-based): chr20:3,228,538, G>A on the plus strand (C>T on the coding strand, the complement: SLC4A11 is on the minus strand). VCF-style: chr20-3228538-G-A. GRCh37 (hg19) VCF-style: chr20-3209184-G-A.
Other names: c.2491C>T, p.Arg831Cys (NM_001174090.2); c.2248C>T, p.Arg750Cys (NM_001363745.2); c.2410C>T, p.Arg804Cys (NM_032034.4); short protein forms R750C, R788C, R804C, R831C.
Identifiers: ClinVar variation 1307746 (VCV001307746.2), dbSNP rs754052581, ClinGen allele CA9741499.